The following is an entry in ClinVar:

ClinVar aggregate classification (germline): Likely benign. Review status: criteria provided, single submitter (1 of 4 stars). 2 submissions from 2 submitters: Likely benign (1). 1 of the submissions does not count toward it. Last evaluated 2025-07-25.

Conditions:
DAG1-related disorder. Also called: DAG1-related condition.
Autosomal recessive limb-girdle muscular dystrophy type 2P. Also called: Limb-Girdle Muscular Dystrophy Type 9C; MUSCULAR DYSTROPHY-DYSTROGLYCANOPATHY, LIMB-GIRDLE, DAG1-RELATED; MUSCULAR DYSTROPHY, LIMB-GIRDLE, TYPE 2P. Identifiers: Orphanet 280333, MedGen C4511963, MONDO:0013440, OMIM 613818.
Muscular dystrophy-dystroglycanopathy (congenital with brain and eye anomalies), type A9. Also called: Muscular dystrophy-dystroglycanopathy (congenital with brain and eye anomalies), type a, 9; WALKER-WARBURG SYNDROME OR MUSCLE-EYE BRAIN DISEASE, DAG1-RELATED. Identifiers: Orphanet 370997, Orphanet 899, MedGen C4225291, MONDO:0014683, OMIM 616538.

Allele frequency attached by ClinVar (database versions not stated): gnomAD exomes 0.00001 and 0.00004; gnomAD 0.00001; ExAC 0.00005.
gnomAD v4.1: 21 of 1,614,058 alleles (0.0013%); highest among the groups gnomAD compares: Middle Eastern, 0.016%; no homozygotes.

Submissions (2):

Labcorp Genetics (formerly Invitae), Labcorp
Classification: Likely benign for Autosomal recessive limb-girdle muscular dystrophy type 2P; Muscular dystrophy-dystroglycanopathy (congenital with brain and eye anomalies), type A9. Last evaluated: 2025-07-25. Review status: criteria provided, single submitter. Criteria: Invitae Variant Classification Sherloc (09022015). Collection method: clinical testing. Allele origin: germline.

PreventionGenetics, part of Exact Sciences
Classification: Likely benign for DAG1-related condition. Last evaluated: 2023-02-15. Review status: no assertion criteria provided. Collection method: clinical testing. Allele origin: germline. Not counted in ClinVar's aggregate classification.
Comment: This variant is classified as likely benign based on ACMG/AMP sequence variant interpretation guidelines (Richards et al. 2015 PMID: 25741868, with internal and published modifications).

NM_004393.6(DAG1):c.174C>T (p.His58=)

Gene: DAG1 (dystroglycan 1; plus strand). Cytogenetic location: 3p21.31.
Variant type: single nucleotide variant.
Coding change: c.174C>T on transcript NM_004393.6 (MANE Select); coding-DNA position 174, C replaced by T.
Protein change: p.His58=; no amino-acid change (histidine 58 retained).
Molecular consequence: synonymous variant.
Genome position (GRCh38, 1-based): chr3:49,510,708, C>T. VCF-style: chr3-49510708-C-T. GRCh37 (hg19) VCF-style: chr3-49548141-C-T.
Other names: c.174C>T, p.His58= (NM_001165928.4, NM_001177634.3, NM_001177635.3 and 9 more transcripts); c.174C>T (NM_001165928.3).
Identifiers: ClinVar variation 1653873 (VCV001653873.10), dbSNP rs760114682, ClinGen allele CA2398835.
Genomic context (GRCh38, chr3:49,510,708, plus strand): 5'-TGTCAGGGACTGGGAAAACCAGCTTGAGGCATCCATGCACTCAGTGCTCTCAGACCTCCA[C>T]GAGGCTGTTCCCACAGTGGTTGGCATTCCTGATGGCACGGCTGTCGTCGGGCGCTCATTT-3'
Protein context (NP_004384.5, residues 48-68): ASMHSVLSDL[His58=]EAVPTVVGIP